The following is an entry in ClinVar:

ClinVar aggregate classification (germline): Likely benign. Review status: criteria provided, multiple submitters, no conflicts (2 of 4 stars). 2 submissions from 2 submitters: Likely benign (2). Last evaluated 2023-08-23.

Allele frequency attached by ClinVar (database versions not stated): gnomAD 0.00001; TOPMed 0.00001.
gnomAD v4.1: 6 of 1,509,344 alleles (0.0004%); highest among the groups gnomAD compares: Admixed American, 0.0026%; no homozygotes.

Submissions (2):

Labcorp Genetics (formerly Invitae), Labcorp
Classification: Likely benign. Last evaluated: 2023-08-23. Review status: criteria provided, single submitter. Criteria: Invitae Variant Classification Sherloc (09022015). Collection method: clinical testing. Allele origin: germline.

CeGaT Center for Human Genetics Tuebingen
Classification: Likely benign. Last evaluated: 2022-07-01. Review status: criteria provided, single submitter. Criteria: CeGaT Center For Human Genetics Tuebingen Variant Classification Criteria Version 2. Collection method: clinical testing. Allele origin: germline. Affected: yes. Observed: 1 variant allele.
Comment: CACNA1B: BP4, BP7

NM_000718.4(CACNA1B):c.6273G>A (p.Pro2091=)

Gene: CACNA1B (calcium voltage-gated channel subunit alpha1 B; plus strand). Cytogenetic location: 9q34.3.
Variant type: single nucleotide variant.
Coding change: c.6273G>A on transcript NM_000718.4 (MANE Select); coding-DNA position 6273, G replaced by A.
Protein change: p.Pro2091=; no amino-acid change (proline 2091 retained).
Molecular consequence: synonymous variant.
Genome position (GRCh38, 1-based): chr9:138,120,665, G>A. VCF-style: chr9-138120665-G-A. GRCh37 (hg19) VCF-style: chr9-141015117-G-A.
Other names: c.6273G>A, p.Pro2091= (NM_001243812.2).
Identifiers: ClinVar variation 2659853 (VCV002659853.27), dbSNP rs1224633408, ClinGen allele CA468162253.